The following is an entry in ClinVar:

NM_013451.4(MYOF):c.4573C>T (p.Arg1525Trp)

Gene: MYOF (myoferlin; minus strand). Cytogenetic location: 10q23.33.
Variant type: single nucleotide variant.
Coding change: c.4573C>T on transcript NM_013451.4 (MANE Select); coding-DNA position 4573, C replaced by T.
Protein change: p.Arg1525Trp; replaces arginine 1525 with tryptophan.
Molecular consequence: missense variant.
Genome position (GRCh38, 1-based): chr10:93,333,904, G>A on the plus strand (C>T on the coding strand, the complement: MYOF is on the minus strand). VCF-style: chr10-93333904-G-A. GRCh37 (hg19) VCF-style: chr10-95093661-G-A.
Other names: c.4534C>T, p.Arg1512Trp (NM_133337.3); short protein forms R1512W, R1525W.
Identifiers: ClinVar variation 781792 (VCV000781792.28), dbSNP rs201634420, ClinGen allele CA5606986.

ClinVar aggregate classification (germline): Benign/Likely benign. Review status: criteria provided, multiple submitters, no conflicts (2 of 4 stars). 2 submissions from 2 submitters: Benign (1); Likely benign (1). Last evaluated 2026-04-01.

Allele frequency attached by ClinVar (database versions not stated): 1000 Genomes Project 30x 0.00047; 1000 Genomes Project 0.00060; ESP Exome Variant Server 0.00138; TOPMed 0.00141; ExAC 0.00229.
gnomAD v4.1: 2,616 of 1,613,812 alleles (0.16%); highest among the groups gnomAD compares: Admixed American, 0.3%; 9 homozygotes.

Submissions (2):

CeGaT Center for Human Genetics Tuebingen
Classification: Benign. Last evaluated: 2026-04-01. Review status: criteria provided, single submitter. Criteria: CeGaT Center For Human Genetics Tuebingen Variant Classification Criteria Version 2. Collection method: clinical testing. Allele origin: germline. Affected: yes. Observed: 8 variant alleles.
Comment: MYOF: BS1, BS2

Labcorp Genetics (formerly Invitae), Labcorp
Classification: Likely benign. Last evaluated: 2019-12-31. Review status: criteria provided, single submitter. Criteria: Invitae Variant Classification Sherloc (09022015). Collection method: clinical testing. Allele origin: germline.